The following is an entry in ClinVar:

ClinVar aggregate classification (germline): Conflicting classifications of pathogenicity. Review status: criteria provided, conflicting classifications (1 of 4 stars). 4 submissions from 4 submitters: Likely pathogenic (1); Uncertain significance (2). 1 of the submissions does not count toward it. Last evaluated 2023-07-10.

Conditions:
Deficiency of acetyl-CoA acetyltransferase. Also called: Beta-ketothiolase deficiency; 3-KETOTHIOLASE DEFICIENCY; 3-OXOTHIOLASE DEFICIENCY; MITOCHONDRIAL ACETOACETYL-CoA THIOLASE DEFICIENCY. Identifiers: Orphanet 134, MedGen C1536500, MONDO:0008760, OMIM 203750. Disease mechanism: loss of function.

Allele frequency attached by ClinVar (database versions not stated): gnomAD exomes below 0.00001 and 0.00001; 1000 Genomes Project 0.00020; ExAC 0.00001; gnomAD 0.00001; 1000 Genomes Project 30x 0.00031; TOPMed 0.00001.
gnomAD v4.1: 4 of 1,605,558 alleles (0.00025%); highest among the groups gnomAD compares: Admixed American, 0.0067%; no homozygotes.

Submissions (4):

Women's Health and Genetics/Laboratory Corporation of America, LabCorp
Classification: Uncertain significance. Last evaluated: 2023-07-10. Review status: criteria provided, single submitter. Criteria: LabCorp Variant Classification Summary - May 2015. Collection method: clinical testing. Allele origin: germline.
Comment: Variant summary: ACAT1 c.433C>G (p.Gln145Glu) results in a conservative amino acid change located in the N-terminal domain (IPR020616) of the encoded protein sequence. Three of five in-silico tools predict a benign effect of the variant on protein function. In addition, this variant disrupts the third to last nucleotide of exon 5, and therefore can affect splicing. Computational tools predict no significant impact on normal splicing. However, these predictions have yet to be confirmed by functional studies. The variant allele was found at a frequency of 1.2e-05 in 251110 control chromosomes (gnomAD v2.1, Exomes dataset). The available data on variant occurrences in the general population are insufficient to allow any conclusion about variant significance. c.433C>G has been reported in the literature in at least one homozygous individual affected with Alpha-Methylacetoacetic Aciduria (e.g., Fukao_2001, Fukao_2002). These data indicate that the variant may be associated with disease. Several publications report experimental evidence evaluating an impact on protein function, finding that the variant protein displayed increased thermal instability resulting in approximately 10-15% enzymatic activity at 37 degrees Celsius (e.g., Fukao_2001, Fukao_2002, Nakamura_2001). However, the variant protein was also found to maintain 100% specific activity in vitro (Fukao_2002). The following publications have been ascertained in the context of this evaluation (PMID: 11161836, 11914035, 11161837). Two submitters have reported clinical-significance assessments for this variant to ClinVar after 2014. One submitter classified the variant as likely pathogenic, and one submitter classified the variant as uncertain significance. Based on the evidence outlined above, the variant was classified as VUS-possibly pathogenic.

Labcorp Genetics (formerly Invitae), Labcorp
Classification: Uncertain significance for Deficiency of acetyl-CoA acetyltransferase. Last evaluated: 2021-08-24. Review status: criteria provided, single submitter. Criteria: Invitae Variant Classification Sherloc (09022015). Collection method: clinical testing. Allele origin: germline.
Comment: This sequence change replaces glutamine with glutamic acid at codon 145 of the ACAT1 protein (p.Gln145Glu). The glutamine residue is moderately conserved and there is a small physicochemical difference between glutamine and glutamic acid. This variant is present in population databases (rs120074148, ExAC 0.009%). This missense change has been observed in individual(s) with beta-ketothiolase deficiency (PMID: 11161836). ClinVar contains an entry for this variant (Variation ID: 2846). Algorithms developed to predict the effect of missense changes on protein structure and function are either unavailable or do not agree on the potential impact of this missense change (SIFT: "Tolerated"; PolyPhen-2: "Possibly Damaging"; Align-GVGD: "Class C0"). Experimental studies have shown that this missense change affects ACAT1 function (PMID: 11914035). In summary, the available evidence is currently insufficient to determine the role of this variant in disease. Therefore, it has been classified as a Variant of Uncertain Significance.

Department of Pediatrics, Gifu University
Classification: Likely pathogenic for Deficiency of acetyl-CoA acetyltransferase. Last evaluated: 2019-05-05. Review status: criteria provided, single submitter. Criteria: ACMG Guidelines, 2015. Collection method: research. Allele origin: germline. Affected: yes. Observed: 1 variant allele.

OMIM
Classification: Pathogenic for 3-KETOTHIOLASE DEFICIENCY. Last evaluated: 2002-03-01. Review status: no assertion criteria provided. Collection method: literature only. Allele origin: germline. Not counted in ClinVar's aggregate classification.

Literature cited by the submitters: PubMed 11914035 (cited by 4 submitters); PubMed 11161836 (cited by Women's Health and Genetics/Laboratory Corporation of America, LabCorp and Labcorp Genetics (formerly Invitae), Labcorp); PubMed 11161837 (cited by Women's Health and Genetics/Laboratory Corporation of America, LabCorp); PubMed 31268215 (cited by Department of Pediatrics, Gifu University).

NM_000019.4(ACAT1):c.433C>G (p.Gln145Glu)

Gene: ACAT1 (acetyl-CoA acetyltransferase 1; plus strand). Cytogenetic location: 11q22.3.
Variant type: single nucleotide variant.
Coding change: c.433C>G on transcript NM_000019.4 (MANE Select); coding-DNA position 433, C replaced by G.
Protein change: p.Gln145Glu; replaces glutamine 145 with glutamic acid.
Molecular consequence: missense variant.
Genome position (GRCh38, 1-based): chr11:108,135,240, C>G. VCF-style: chr11-108135240-C-G. GRCh37 (hg19) VCF-style: chr11-108005967-C-G.
Other names: c.433C>G, p.Gln145Glu (LRG_1400t1); short protein forms Q145E.
Identifiers: ClinVar variation 2846 (VCV000002846.9), dbSNP rs120074148, ClinGen allele CA252472.